The following is an entry in ClinVar:

ClinVar aggregate classification (germline): Uncertain significance (1 of 4 stars; one submission).

gnomAD v4.1: 1 of 1,614,158 alleles (0.000062%); highest among the groups gnomAD compares: Admixed American, 0.0017%; no homozygotes.

Submission:

Labcorp Genetics (formerly Invitae), Labcorp
Classification: Uncertain significance. Last evaluated: 2024-03-23. Review status: criteria provided, single submitter. Criteria: Invitae Variant Classification Sherloc (09022015). Collection method: clinical testing. Allele origin: germline.
Comment: This sequence change replaces valine, which is neutral and non-polar, with phenylalanine, which is neutral and non-polar, at codon 361 of the FN1 protein (p.Val361Phe). This variant is not present in population databases (gnomAD no frequency). This variant has not been reported in the literature in individuals affected with FN1-related conditions. Advanced modeling of protein sequence and biophysical properties (such as structural, functional, and spatial information, amino acid conservation, physicochemical variation, residue mobility, and thermodynamic stability) performed at Invitae indicates that this missense variant is expected to disrupt FN1 protein function with a positive predictive value of 80%. In summary, the available evidence is currently insufficient to determine the role of this variant in disease. Therefore, it has been classified as a Variant of Uncertain Significance.

NM_212482.4(FN1):c.1081G>T (p.Val361Phe)

Genes: FN1 (fibronectin 1; minus strand), LOC126806498 (CDK7 strongly-dependent group 2 enhancer GRCh37_chr2:216288045-216289244; plus strand). Cytogenetic location: 2q35.
Variant type: single nucleotide variant.
Coding change: c.1081G>T on transcript NM_212482.4 (MANE Select); coding-DNA position 1081, G replaced by T.
Protein change: p.Val361Phe; replaces valine 361 with phenylalanine.
Molecular consequence: missense variant.
Genome position (GRCh38, 1-based): chr2:215,424,281, C>A on the plus strand (G>T on the coding strand, the complement: FN1 is on the minus strand). VCF-style: chr2-215424281-C-A. GRCh37 (hg19) VCF-style: chr2-216289004-C-A.
Other names: c.1081G>T, p.Val361Phe (NM_001306129.2, NM_001306130.2, NM_001306131.2 and 14 more transcripts); short protein forms V361F.
Identifiers: ClinVar variation 3677460 (VCV003677460.2).
Genomic context (GRCh38, chr2:215,424,281, plus strand): 5'-CCTGTCGCCCTTCTGTGGTGCAGGAGTAGAACGTCCTGCCATTGTAGGTGAATGGTAAGA[C>A]ACATGGCTCTCCATTTGAGTTGCCACCGTAAGTCTGGGTTACAGCTACAATCATAATCAA-3'
Protein context (NP_997647.2, residues 351-371): YGGNSNGEPC[Val361Phe]LPFTYNGRTF